The following is an entry in ClinVar:

NM_000186.4(CFH):c.245A>G (p.Lys82Arg)

Gene: CFH (complement factor H; plus strand). Cytogenetic location: 1q31.3.
Variant type: single nucleotide variant.
Coding change: c.245A>G on transcript NM_000186.4 (MANE Select); coding-DNA position 245, A replaced by G.
Protein change: p.Lys82Arg; replaces lysine 82 with arginine.
Molecular consequence: missense variant.
Genome position (GRCh38, 1-based): chr1:196,673,857, A>G. VCF-style: chr1-196673857-A-G. GRCh37 (hg19) VCF-style: chr1-196642987-A-G.
Other names: c.245A>G, p.Lys82Arg (NM_001014975.3); short protein forms K82R.
Identifiers: ClinVar variation 2734061 (VCV002734061.5), dbSNP rs376337060, ClinGen allele CA1304999.
Genomic context (GRCh38, chr1:196,673,857, plus strand): 5'-CTACATAAAATATATTCCTTGCTATTACATACTAATTCATAACTTTTTTTTTCGTTTTAG[A>G]AAGGCCCTGTGGACATCCTGGAGATACTCCTTTTGGTACTTTTACCCTTACAGGAGGAAA-3'
Protein context (NP_000177.2, residues 72-92): VALNPLRKCQ[Lys82Arg]RPCGHPGDTP

ClinVar aggregate classification (germline): Uncertain significance. Review status: criteria provided, multiple submitters, no conflicts (2 of 4 stars). 3 submissions from 3 submitters: Uncertain significance (3). Last evaluated 2025-10-02.

Conditions:
Age related macular degeneration 4. Identifiers: MedGen C1853147, MONDO:0012540, OMIM 610698.
Factor H deficiency (CFHD). Also called: COMPLEMENT FACTOR H DEFICIENCY; CFH DEFICIENCY. Identifiers: Orphanet 200421, MedGen C0398777, MONDO:0012350, OMIM 609814.
Basal laminar drusen. Also called: DRUSEN OF BRUCH MEMBRANE; DRUSEN, CUTICULAR; DRUSEN, EARLY ADULT-ONSET, GROUPED. Identifiers: Orphanet 75376, MedGen C0730295, MONDO:0007472, OMIM 126700.
Hemolytic uremic syndrome, atypical, susceptibility to, 1. Also called: AHUS, SUSCEPTIBILITY TO, 1. Identifiers: Orphanet 2134, Orphanet 90038, MedGen C2749604, MONDO:0009335, OMIM 235400. Disease mechanism: Other.
Atypical hemolytic-uremic syndrome. Identifiers: Orphanet 2134, MedGen C2931788, MONDO:0016244.

Allele frequency attached by ClinVar (database versions not stated): gnomAD exomes below 0.00001; ExAC 0.00002; gnomAD 0.00003; ESP Exome Variant Server 0.00008; TOPMed 0.00008.
gnomAD v4.1: 10 of 1,608,562 alleles (0.00062%); highest among the groups gnomAD compares: African/African-American, 0.011%; no homozygotes.

Submissions (3):

Genomenon, Inc
Classification: Uncertain significance for Atypical hemolytic-uremic syndrome. Last evaluated: 2025-10-02. Review status: criteria provided, single submitter. Criteria: Genomenon Sequence Variant Interpretation Standards - Updated. Collection method: curation. Allele origin: germline. Affected: yes.
Comment: CFH p.Lys82Arg (c.245A>G) is a missense variant that changes the amino acid at residue 82 from Lysine to Arginine. This variant has been observed in at least one proband affected with atypical hemolytic-uremic syndrome (PMID:27799617;28596415). Functional studies have been reported (PMID:34189567). It is absent or not present at a significant frequency in gnomAD. In silico models agree that this variant is not damaging. In conclusion, we classify CFH p.Lys82Arg (c.245A>G) as a variant of uncertain significance.

Fulgent Genetics
Classification: Uncertain significance for Basal laminar drusen; Hemolytic uremic syndrome, atypical, susceptibility to, 1; Factor H deficiency; Age related macular degeneration 4. Last evaluated: 2024-03-26. Review status: criteria provided, single submitter. Criteria: ACMG Guidelines, 2015. Collection method: clinical testing. Allele origin: germline.

Labcorp Genetics (formerly Invitae), Labcorp
Classification: Uncertain significance. Last evaluated: 2023-09-06. Review status: criteria provided, single submitter. Criteria: Invitae Variant Classification Sherloc (09022015). Collection method: clinical testing. Allele origin: germline.
Comment: This variant is present in population databases (rs376337060, gnomAD 0.02%). In summary, the available evidence is currently insufficient to determine the role of this variant in disease. Therefore, it has been classified as a Variant of Uncertain Significance. Experimental studies have shown that this missense change does not substantially affect CFH function (PMID: 34189567). Algorithms developed to predict the effect of missense changes on protein structure and function output the following: SIFT: "Not Available"; PolyPhen-2: "Benign"; Align-GVGD: "Not Available". The arginine amino acid residue is found in multiple mammalian species, which suggests that this missense change does not adversely affect protein function. This missense change has been observed in individual(s) with atypical hemolytic uremic syndrome (PMID: 27799617). This sequence change replaces lysine, which is basic and polar, with arginine, which is basic and polar, at codon 82 of the CFH protein (p.Lys82Arg).

Literature cited by the submitters: PubMed 27799617 (cited by Genomenon, Inc and Labcorp Genetics (formerly Invitae), Labcorp); PubMed 28596415 (cited by Genomenon, Inc); PubMed 34189567 (cited by Genomenon, Inc and Labcorp Genetics (formerly Invitae), Labcorp).